The following is an entry in ClinVar:

ClinVar aggregate classification (germline): Benign (3 of 4 stars; one submission).

Conditions:
Breast-ovarian cancer, familial, susceptibility to, 1 (BROVCA1). Also called: BRCA1 Hereditary Breast and Ovarian Cancer; OVARIAN CANCER, SUSCEPTIBILITY TO. Identifiers: Orphanet 145, MedGen C2676676, MONDO:0011450, OMIM 604370. Disease mechanism: loss of function.

Allele frequency attached by ClinVar (database versions not stated): 1000 Genomes Project 0.00379; gnomAD 0.00385 and 0.00397; 1000 Genomes Project 30x 0.00390; TOPMed 0.00420.
gnomAD v4.1: 579 of 152,200 alleles (0.38%); highest among the groups gnomAD compares: Middle Eastern, 3.1%; 8 homozygotes.

Submission:

Evidence-based Network for the Interpretation of Germline Mutant Alleles (ENIGMA)
Classification: Benign for Breast-ovarian cancer, familial 1. Last evaluated: 2015-01-12. Review status: reviewed by expert panel. Criteria: ENIGMA BRCA1/2 Classification Criteria (2015). Collection method: curation. Allele origin: germline.
Comment: Class 1 not pathogenic based on frequency >1% in an outbred sampleset. Frequency 0.01016 (African), derived from 1000 genomes (2012-04-30).

NM_007294.4(BRCA1):c.134+3404C>T

Gene: BRCA1 (BRCA1 DNA repair associated; minus strand). Cytogenetic location: 17q21.31.
Variant type: single nucleotide variant.
Coding change: c.134+3404C>T on transcript NM_007294.4 (MANE Select); 3404 bases into the intron after coding-DNA position 134, C replaced by T.
Molecular consequence: intron variant.
Genome position (GRCh38, 1-based): chr17:43,112,322, G>A on the plus strand (C>T on the coding strand, the complement: BRCA1 is on the minus strand). VCF-style: chr17-43112322-G-A. GRCh37 (hg19) VCF-style: chr17-41264339-G-A.
Other names: IVS 3+3404C>T; c.-8+3404C>T (NM_001408458.1, NM_001408470.1, NM_001407848.1 and 47 more transcripts); c.-219+12955C>T (NM_001407967.1); c.-169-7366C>T (NM_001407959.1, NM_001407963.1); c.-7-5789C>T (NM_001407931.1, NM_001407747.1, NM_001408461.1 and 30 more transcripts); c.-170+3404C>T (NM_001407962.1, NM_001408512.1, NM_001408510.1 and 1 more transcripts); c.-55+3404C>T (NM_001407885.1, NM_001407886.1, NM_001408509.1 and 52 more transcripts); c.-123-1742C>T (NM_001407746.1, NM_001408468.1, NM_001407842.1 and 13 more transcripts); and 10 more.
Identifiers: ClinVar variation 209520 (VCV000209520.2), dbSNP rs187294938, ClinGen allele CA276489.